The following is an entry in ClinVar:

ClinVar aggregate classification (germline): Conflicting classifications of pathogenicity. Review status: criteria provided, conflicting classifications (1 of 4 stars). 5 submissions from 5 submitters: Uncertain significance (1); Benign (2); Likely benign (2). Last evaluated 2025-11-25.

Conditions:
Charcot-Marie-Tooth disease type 2. Also called: Charcot-Marie-Tooth type 2. Identifiers: Orphanet 64746, MedGen C0270914, MONDO:0018993.
Charcot-Marie-Tooth disease axonal type 2N (CMT2N). Also called: Charcot-Marie-Tooth Neuropathy Type 2N; CHARCOT-MARIE-TOOTH DISEASE, AXONAL, AUTOSOMAL DOMINANT, TYPE 2N; CHARCOT-MARIE-TOOTH NEUROPATHY, AXONAL, TYPE 2N. Identifiers: Orphanet 228174, MedGen C2750090, MONDO:0013212, OMIM 613287.

Allele frequency attached by ClinVar (database versions not stated): gnomAD 0.00011 and 0.00013; gnomAD exomes 0.00011 and 0.00024; ESP Exome Variant Server 0.00015; TOPMed 0.00015; ExAC 0.00021.
gnomAD v4.1: 197 of 1,613,188 alleles (0.012%); highest among the groups gnomAD compares: East Asian, 0.096%; 1 homozygote.

Submissions (5):

GeneDx
Classification: Uncertain significance. Last evaluated: 2025-11-25. Review status: criteria provided, single submitter. Criteria: GeneDx Variant Classification Process June 2021. Collection method: clinical testing. Allele origin: germline.
Comment: In silico analysis suggests this variant may impact gene splicing. In the absence of RNA/functional studies, the actual effect of this sequence change is unknown.; Has not been previously published as pathogenic or benign to our knowledge

Labcorp Genetics (formerly Invitae), Labcorp
Classification: Benign for Charcot-Marie-Tooth disease type 2. Last evaluated: 2025-09-02. Review status: criteria provided, single submitter. Criteria: Invitae Variant Classification Sherloc (09022015). Collection method: clinical testing. Allele origin: germline.

Laboratory of Genetics, Children's Clinical University Hospital Latvia
Classification: Benign. Last evaluated: 2025-02-16. Review status: criteria provided, single submitter. Criteria: ACMG Guidelines, 2015. Collection method: clinical testing. Allele origin: germline. Affected: yes.

Blueprint Genetics
Classification: Likely benign. Last evaluated: 2024-01-23. Review status: criteria provided, single submitter. Criteria: ACMG Guidelines, 2015. Collection method: clinical testing. Allele origin: germline.

Illumina Laboratory Services, Illumina
Classification: Likely benign for Charcot-Marie-Tooth disease axonal type 2N. Last evaluated: 2018-01-13. Review status: criteria provided, single submitter. Criteria: ICSL Variant Classification Criteria 13 December 2019. Collection method: clinical testing. Allele origin: germline.
Comment: This variant was observed in the ICSL laboratory as part of a predisposition screen in an ostensibly healthy population. It had not been previously curated by ICSL or reported in the Human Gene Mutation Database (HGMD: prior to June 1st, 2018), and was therefore a candidate for classification through an automated scoring system. Utilizing variant allele frequency, disease prevalence and penetrance estimates, and inheritance mode, an automated score was calculated to assess if this variant is too frequent to cause the disease. Based on the score and internal cut-off values, a variant classified as likely benign is not then subjected to further curation. The score for this variant resulted in a classification of likely benign for this disease.

NM_001605.3(AARS1):c.1509G>A (p.Val503=)

Gene: AARS1 (alanyl-tRNA synthetase 1; minus strand). Cytogenetic location: 16q22.1.
Variant type: single nucleotide variant.
Coding change: c.1509G>A on transcript NM_001605.3 (MANE Select); coding-DNA position 1509, G replaced by A.
Protein change: p.Val503=; no amino-acid change (valine 503 retained).
Molecular consequence: synonymous variant.
Genome position (GRCh38, 1-based): chr16:70,262,508, C>T on the plus strand (G>A on the coding strand, the complement: AARS1 is on the minus strand). VCF-style: chr16-70262508-C-T. GRCh37 (hg19) VCF-style: chr16-70296411-C-T.
Identifiers: ClinVar variation 543286 (VCV000543286.18), dbSNP rs138406510, ClinGen allele CA8140771.
Genomic context (GRCh38, chr16:70,262,508, plus strand): 5'-CTGGCCTGTGGACACCTCTTCCACGAACATCTTCTCCCTGCGCAGAGCCATCACCGTAGC[C>T]ACTGTGTTCTCAAATACTGCTCAAGGGAAATGCATAGAAAGGGGACAGTGGGGTCAATGA-3'
Protein context (NP_001596.2, residues 493-513): SSGSYVFENT[Val503=]ATVMALRREK